The following is an entry in ClinVar:

ClinVar aggregate classification (germline): Uncertain significance (1 of 4 stars; one submission).

Conditions:
Cryopyrin associated periodic syndrome (CAPS). Identifiers: Orphanet 208650, MedGen C2316212, MONDO:0016168.

Submission:

Labcorp Genetics (formerly Invitae), Labcorp
Classification: Uncertain significance for Cryopyrin associated periodic syndrome. Last evaluated: 2025-04-14. Review status: criteria provided, single submitter. Criteria: Invitae Variant Classification Sherloc (09022015). Collection method: clinical testing. Allele origin: germline.
Comment: This sequence change replaces serine, which is neutral and polar, with tyrosine, which is neutral and polar, at codon 471 of the NLRP3 protein (p.Ser471Tyr). This variant is not present in population databases (gnomAD no frequency). This variant has not been reported in the literature in individuals affected with NLRP3-related conditions. Invitae Evidence Modeling of protein sequence and biophysical properties (such as structural, functional, and spatial information, amino acid conservation, physicochemical variation, residue mobility, and thermodynamic stability) has been performed for this missense variant. However, the output from this modeling did not meet the statistical confidence thresholds required to predict the impact of this variant on NLRP3 protein function. In summary, the available evidence is currently insufficient to determine the role of this variant in disease. Therefore, it has been classified as a Variant of Uncertain Significance.

NM_001243133.2(NLRP3):c.1406C>A (p.Ser469Tyr)

Gene: NLRP3 (NLR family pyrin domain containing 3; plus strand). Cytogenetic location: 1q44.
Variant type: single nucleotide variant.
Coding change: c.1406C>A on transcript NM_001243133.2 (MANE Select); coding-DNA position 1406, C replaced by A.
Protein change: p.Ser469Tyr; replaces serine 469 with tyrosine.
Molecular consequence: missense variant.
Genome position (GRCh38, 1-based): chr1:247,424,855, C>A. VCF-style: chr1-247424855-C-A. GRCh37 (hg19) VCF-style: chr1-247588157-C-A.
Other names: c.1406C>A, p.Ser469Tyr (NM_001079821.3, NM_001127461.3, NM_001127462.3 and 1 more transcripts); c.1412C>A, p.Ser471Tyr (NM_004895.5); short protein forms S469Y, S471Y.
Identifiers: ClinVar variation 4774798 (VCV004774798.1).
Genomic context (GRCh38, chr1:247,424,855, plus strand): 5'-TGCAGCCCCGGGGAGGGAGCCAGGAGCACGGCCTCTGCGCCCACCTCTGGGGGCTCTGCT[C>A]TTTGGCTGCAGATGGAATCTGGAACCAGAAAATCCTGTTTGAGGAGTCCGACCTCAGGAA-3'
Protein context (NP_001230062.1, residues 459-479): GLCAHLWGLC[Ser469Tyr]LAADGIWNQK